The following is an entry in ClinVar:

ClinVar aggregate classification (germline): Uncertain significance (1 of 4 stars; one submission).

Submission:

Labcorp Genetics (formerly Invitae), Labcorp
Classification: Uncertain significance. Last evaluated: 2022-09-19. Review status: criteria provided, single submitter. Criteria: Invitae Variant Classification Sherloc (09022015). Collection method: clinical testing. Allele origin: germline.
Comment: Advanced modeling of protein sequence and biophysical properties (such as structural, functional, and spatial information, amino acid conservation, physicochemical variation, residue mobility, and thermodynamic stability) performed at Invitae indicates that this missense variant is not expected to disrupt CTNNA1 protein function. In summary, the available evidence is currently insufficient to determine the role of this variant in disease. Therefore, it has been classified as a Variant of Uncertain Significance. This variant has not been reported in the literature in individuals affected with CTNNA1-related conditions. This sequence change replaces glutamic acid, which is acidic and polar, with lysine, which is basic and polar, at codon 570 of the CTNNA1 protein (p.Glu570Lys). This variant is not present in population databases (gnomAD no frequency).

NM_001903.5(CTNNA1):c.1708G>A (p.Glu570Lys)

Gene: CTNNA1 (catenin alpha 1; plus strand). Cytogenetic location: 5q31.2.
Variant type: single nucleotide variant.
Coding change: c.1708G>A on transcript NM_001903.5 (MANE Select); coding-DNA position 1708, G replaced by A.
Protein change: p.Glu570Lys; replaces glutamic acid 570 with lysine.
Molecular consequence: missense variant.
Genome position (GRCh38, 1-based): chr5:138,924,671, G>A. VCF-style: chr5-138924671-G-A. GRCh37 (hg19) VCF-style: chr5-138260360-G-A.
Other names: c.1708G>A, p.Glu570Lys (NM_001290307.3, NM_001323982.2, NM_001323983.1 and 2 more transcripts); c.1399G>A, p.Glu467Lys (NM_001290309.3); c.1339G>A, p.Glu447Lys (NM_001290310.3); c.598G>A, p.Glu200Lys (NM_001290312.1, NM_001323987.1, NM_001323988.1 and 17 more transcripts); c.1615G>A, p.Glu539Lys (NM_001323986.2); c.259G>A, p.Glu87Lys (NM_001324006.1, NM_001324007.1, NM_001324008.1 and 2 more transcripts); c.505G>A, p.Glu169Lys (NM_001324011.1); c.355G>A, p.Glu119Lys (NM_001324012.1, NM_001324013.1); short protein forms E119K, E467K, E447K, E539K, E87K, E200K, E169K, E570K.
Identifiers: ClinVar variation 1903678 (VCV001903678.5), dbSNP rs2533713094, ClinGen allele CA361132021.